The following is an entry in ClinVar:

ClinVar aggregate classification (germline): Uncertain significance (1 of 4 stars; one submission).

Allele frequency attached by ClinVar (database versions not stated): gnomAD 0.00002.
gnomAD v4.1: 16 of 1,613,974 alleles (0.00099%); highest among the groups gnomAD compares: Non-Finnish European, 0.0014%; no homozygotes.

Submission:

Labcorp Genetics (formerly Invitae), Labcorp
Classification: Uncertain significance. Last evaluated: 2024-04-15. Review status: criteria provided, single submitter. Criteria: Invitae Variant Classification Sherloc (09022015). Collection method: clinical testing. Allele origin: germline.
Comment: This sequence change replaces histidine, which is basic and polar, with glutamine, which is neutral and polar, at codon 137 of the DYNC2LI1 protein (p.His137Gln). This variant is present in population databases (rs772788154, gnomAD 0.005%). This variant has not been reported in the literature in individuals affected with DYNC2LI1-related conditions. ClinVar contains an entry for this variant (Variation ID: 1901855). An algorithm developed to predict the effect of missense changes on protein structure and function (PolyPhen-2) suggests that this variant is likely to be tolerated. In summary, the available evidence is currently insufficient to determine the role of this variant in disease. Therefore, it has been classified as a Variant of Uncertain Significance.

NM_016008.4(DYNC2LI1):c.411T>G (p.His137Gln)

Gene: DYNC2LI1 (dynein cytoplasmic 2 light intermediate chain 1; plus strand). Cytogenetic location: 2p21.
Variant type: single nucleotide variant.
Coding change: c.411T>G on transcript NM_016008.4 (MANE Select); coding-DNA position 411, T replaced by G.
Protein change: p.His137Gln; replaces histidine 137 with glutamine.
Molecular consequence: missense variant.
Genome position (GRCh38, 1-based): chr2:43,794,547, T>G. VCF-style: chr2-43794547-T-G. GRCh37 (hg19) VCF-style: chr2-44021686-T-G.
Other names: c.411T>G, p.His137Gln (NM_001193464.2, NM_001348912.2, NM_001348913.2 and 1 more transcripts); short protein forms H137Q.
Identifiers: ClinVar variation 1901855 (VCV001901855.5), dbSNP rs772788154, ClinGen allele CA1635831.